The following is an entry in ClinVar:

ClinVar aggregate classification (germline): Uncertain significance (1 of 4 stars; one submission).

Allele frequency attached by ClinVar (database versions not stated): TOPMed below 0.00001; ExAC 0.00001.
gnomAD v4.1: 10 of 1,614,196 alleles (0.00062%); highest among the groups gnomAD compares: South Asian, 0.0033%; no homozygotes.

Submission:

Labcorp Genetics (formerly Invitae), Labcorp
Classification: Uncertain significance. Last evaluated: 2023-10-05. Review status: criteria provided, single submitter. Criteria: Invitae Variant Classification Sherloc (09022015). Collection method: clinical testing. Allele origin: germline.
Comment: This sequence change replaces threonine, which is neutral and polar, with methionine, which is neutral and non-polar, at codon 56 of the RPL19 protein (p.Thr56Met). This variant is present in population databases (rs773799753, gnomAD 0.003%). This variant has not been reported in the literature in individuals affected with RPL19-related conditions. An algorithm developed to predict the effect of missense changes on protein structure and function (PolyPhen-2) suggests that this variant¬†is likely to be tolerated. In summary, the available evidence is currently insufficient to determine the role of this variant in disease. Therefore, it has been classified as a Variant of Uncertain Significance.

NM_000981.4(RPL19):c.167C>T (p.Thr56Met)

Gene: RPL19 (ribosomal protein L19; plus strand). Cytogenetic location: 17q12.
Variant type: single nucleotide variant.
Coding change: c.167C>T on transcript NM_000981.4 (MANE Select); coding-DNA position 167, C replaced by T.
Protein change: p.Thr56Met; replaces threonine 56 with methionine.
Molecular consequence: missense variant.
Genome position (GRCh38, 1-based): chr17:39,202,371, C>T. VCF-style: chr17-39202371-C-T. GRCh37 (hg19) VCF-style: chr17-37358624-C-T.
Other names: c.161C>T, p.Thr54Met (NM_001330200.1); short protein forms T54M, T56M.
Identifiers: ClinVar variation 2885373 (VCV002885373.1), dbSNP rs773799753, ClinGen allele CA8528855.